The following is an entry in ClinVar:

NM_173598.6(KSR2):c.535A>G (p.Asn179Asp)

Gene: KSR2 (kinase suppressor of ras 2; minus strand). Cytogenetic location: 12q24.23.
Variant type: single nucleotide variant.
Coding change: c.535A>G on transcript NM_173598.6 (MANE Select); coding-DNA position 535, A replaced by G.
Protein change: p.Asn179Asp; replaces asparagine 179 with aspartic acid.
Molecular consequence: missense variant.
Genome position (GRCh38, 1-based): chr12:117,761,462, T>C on the plus strand (A>G on the coding strand, the complement: KSR2 is on the minus strand). VCF-style: chr12-117761462-T-C. GRCh37 (hg19) VCF-style: chr12-118199267-T-C.
Other names: short protein forms N179D.
Identifiers: ClinVar variation 3536656 (VCV003536656.2).

ClinVar aggregate classification (germline): Uncertain significance. Review status: criteria provided, multiple submitters, no conflicts (2 of 4 stars). 2 submissions from 2 submitters: Uncertain significance (2). Last evaluated 2026-03-23.

Conditions:
KSR2-related disorder. Also called: KSR2-related condition.

gnomAD v4.1: 1 of 1,612,906 alleles (0.000062%); highest among the groups gnomAD compares: African/African-American, 0.0013%; no homozygotes.

Submissions (2):

PreventionGenetics, part of Exact Sciences
Classification: Uncertain significance for KSR2-related condition. Last evaluated: 2026-03-23. Review status: criteria provided, single submitter. Criteria: ACMG Guidelines, 2015. Collection method: clinical testing. Allele origin: germline.
Comment: The KSR2 c.448A>G variant is predicted to result in the amino acid substitution p.Asn150Asp. To our knowledge, this variant has not been reported in the literature. This variant is reported in 0.013% of alleles in individuals of African descent in gnomAD. At this time, the clinical significance of this variant is uncertain due to the absence of conclusive functional and genetic evidence.

Ambry Genetics
Classification: Uncertain significance. Last evaluated: 2024-09-27. Review status: criteria provided, single submitter. Criteria: Ambry Variant Classification Scheme 2023. Collection method: clinical testing. Allele origin: germline.